The following is an entry in ClinVar:

NM_024675.4(PALB2):c.2560_2561del (p.Asn854fs)

Gene: PALB2 (partner and localizer of BRCA2; minus strand). Cytogenetic location: 16p12.2.
Variant type: Deletion.
Coding change: c.2560_2561del on transcript NM_024675.4 (MANE Select); coding-DNA positions 2560 to 2561, 2 bases deleted (AA; older notation c.2560_2561delAA).
Protein change: p.Asn854fs; shifts the reading frame from asparagine 854.
Molecular consequence: frameshift variant.
Genome position (GRCh38, 1-based): chr16:23,629,229-23,629,230, TT deleted on the plus strand (AA on the coding strand, the reverse complement: PALB2 is on the minus strand). VCF-style (leftmost placement, unchanged base first): chr16-23629228-GTT-G. GRCh37 (hg19) VCF-style: chr16-23640549-GTT-G.
Other names: c.2560_2561delAA (NM_024675.3); short protein forms N854fs.
Identifiers: ClinVar variation 640771 (VCV000640771.8), dbSNP rs1597088146, ClinGen allele CA915949177.
Genomic context (GRCh38, chr16:23,629,228, plus strand): 5'-AAGACACGAGACACTGGAAGAGAATATTCTTCTGACCTTTAACTCTGAAACCAATTGTAG[GTT>G]GCCTGGGTTTATGCTATCAGAAGCAGGAAGCTCTGCTGTTTCAGTCTGTGAAAACAAAAG-3'

ClinVar aggregate classification (germline): Pathogenic. Review status: criteria provided, multiple submitters, no conflicts (2 of 4 stars). 2 submissions from 2 submitters: Pathogenic (2). Last evaluated 2023-10-10.

Conditions:
Familial cancer of breast. Also called: BREAST CANCER, FAMILIAL; hereditary breast carcinoma; Hereditary breast cancer. Identifiers: Orphanet 227535, MedGen C0346153, MONDO:0016419, OMIM 114480. Disease mechanism: loss of function.

Submissions (2):

Myriad Genetics, Inc.
Classification: Pathogenic for Familial cancer of breast. Last evaluated: 2023-10-10. Review status: criteria provided, single submitter. Criteria: Myriad Autosomal Dominant, Autosomal Recessive and X-Linked Classification Criteria (2023). Collection method: clinical testing. Allele origin: unknown.
Comment: This variant is considered pathogenic. This variant creates a frameshift predicted to result in premature protein truncation.

Labcorp Genetics (formerly Invitae), Labcorp
Classification: Pathogenic for Familial cancer of breast. Last evaluated: 2018-10-29. Review status: criteria provided, single submitter. Criteria: Invitae Variant Classification Sherloc (09022015). Collection method: clinical testing. Allele origin: germline.
Comment: For these reasons, this variant has been classified as Pathogenic. Loss-of-function variants in PALB2 are known to be pathogenic (PMID: 17200668, 24136930, 25099575). This variant has not been reported in the literature in individuals with PALB2-related disease. This variant is not present in population databases (ExAC no frequency). This sequence change creates a premature translational stop signal (p.Asn854Profs*29) in the PALB2 gene. It is expected to result in an absent or disrupted protein product.

Literature cited by the submitters: PubMed 17200668 (cited by Labcorp Genetics (formerly Invitae), Labcorp); PubMed 24136930 (cited by Labcorp Genetics (formerly Invitae), Labcorp); PubMed 25099575 (cited by Labcorp Genetics (formerly Invitae), Labcorp).